The following is an entry in ClinVar:

NM_014425.5(INVS):c.1336A>C (p.Lys446Gln)

Gene: INVS (inversin; plus strand). Cytogenetic location: 9q31.1.
Variant type: single nucleotide variant.
Coding change: c.1336A>C on transcript NM_014425.5 (MANE Select); coding-DNA position 1336, A replaced by C.
Protein change: p.Lys446Gln; replaces lysine 446 with glutamine.
Molecular consequence: missense variant. On other transcripts: non-coding transcript variant (1).
Genome position (GRCh38, 1-based): chr9:100,253,008, A>C. VCF-style: chr9-100253008-A-C. GRCh37 (hg19) VCF-style: chr9-103015290-A-C.
Other names: c.1048A>C, p.Lys350Gln (NM_001318381.2); c.358A>C, p.Lys120Gln (NM_001318382.2); c.1336A>C (NM_014425.2); short protein forms K120Q, K350Q, K446Q.
Identifiers: ClinVar variation 1059924 (VCV001059924.10), dbSNP rs370549699, ClinGen allele CA5158375.

ClinVar aggregate classification (germline): Uncertain significance. Review status: criteria provided, multiple submitters, no conflicts (2 of 4 stars). 3 submissions from 3 submitters: Uncertain significance (3). Last evaluated 2025-05-28.

Conditions:
Nephronophthisis. Also called: Juvenile Nephronophthisis. Identifiers: Orphanet 655, MedGen C0687120, MONDO:0019005, HP:0000090.
Infantile nephronophthisis (NPHP2). Also called: Nephronophthisis 2, infantile; Nephronophthisis 2. Identifiers: Orphanet 655, Orphanet 93591, MedGen C1865872, MONDO:0011190, OMIM 602088.
Inborn genetic diseases. Identifiers: MedGen C0950123, MeSH D030342.

Allele frequency attached by ClinVar (database versions not stated): TOPMed 0.00003; ESP Exome Variant Server 0.00008; ExAC 0.00002; gnomAD 0.00004; gnomAD exomes 0.00004 and 0.00001.
gnomAD v4.1: 17 of 1,613,884 alleles (0.0011%); highest among the groups gnomAD compares: Admixed American, 0.017%; no homozygotes.

Submissions (3):

Ambry Genetics
Classification: Uncertain significance for Inborn genetic diseases. Last evaluated: 2025-05-28. Review status: criteria provided, single submitter. Criteria: Ambry Variant Classification Scheme 2023. Collection method: clinical testing. Allele origin: germline.

Labcorp Genetics (formerly Invitae), Labcorp
Classification: Uncertain significance for Nephronophthisis. Last evaluated: 2022-07-06. Review status: criteria provided, single submitter. Criteria: Invitae Variant Classification Sherloc (09022015). Collection method: clinical testing. Allele origin: germline.
Comment: In summary, the available evidence is currently insufficient to determine the role of this variant in disease. Therefore, it has been classified as a Variant of Uncertain Significance. This sequence change replaces lysine, which is basic and polar, with glutamine, which is neutral and polar, at codon 446 of the INVS protein (p.Lys446Gln). This variant is present in population databases (rs370549699, gnomAD 0.02%). This variant has not been reported in the literature in individuals affected with INVS-related conditions. ClinVar contains an entry for this variant (Variation ID: 1059924). Algorithms developed to predict the effect of missense changes on protein structure and function (SIFT, PolyPhen-2, Align-GVGD) all suggest that this variant is likely to be tolerated.

Fulgent Genetics
Classification: Uncertain significance for Infantile nephronophthisis. Last evaluated: 2022-05-17. Review status: criteria provided, single submitter. Criteria: ACMG Guidelines, 2015. Collection method: clinical testing. Allele origin: unknown.